The following is an entry in ClinVar:

ClinVar aggregate classification (germline): Pathogenic (1 of 4 stars; one submission).

Submission:

GeneDx
Classification: Pathogenic. Last evaluated: 2017-06-29. Review status: criteria provided, single submitter. Criteria: GeneDx Variant Classification (06012015). Collection method: clinical testing. Allele origin: germline. Affected: yes.
Comment: This deletion of 10 nucleotides in PTCH1 is denoted c.1893_1902del10 at the cDNA level and p.Asp632ThrfsX58 (D632TfsX58) at the protein level. The surrounding sequence is ACAC[del10]GACA. The deletion causes a frameshift which changes an Aspartic Acid to a Threonine at codon 632, and creates a premature stop codon at position 58 of the new reading frame. Although this variant has not, to our knowledge, been reported in the literature, it is predicted to cause loss of normal protein function through either protein truncation or nonsense-mediated mRNA decay. We consider this variant to be pathogenic.

NM_000264.5(PTCH1):c.1893_1902del (p.Asp632fs)

Genes: PTCH1 (patched 1; minus strand), LOC100507346 (uncharacterized LOC100507346; plus strand). Cytogenetic location: 9q22.32.
Variant type: Deletion.
Coding change: c.1893_1902del on transcript NM_000264.5 (MANE Select); coding-DNA positions 1893 to 1902, 10 bases deleted (CGACACACAC; older notation c.1893_1902delCGACACACAC).
Protein change: p.Asp632fs; shifts the reading frame from aspartic acid 632.
Molecular consequence: frameshift variant. On other transcripts: non-coding transcript variant (2).
Genome position (GRCh38, 1-based): chr9:95,469,099-95,469,108, GTGTGTGTCG deleted on the plus strand (CGACACACAC on the coding strand, the reverse complement: PTCH1 is on the minus strand); deleting any 10 consecutive bases within chr9:95,469,099-95,469,112 gives the same sequence; the c. name uses the placement nearest the transcript's 3' end. VCF-style (leftmost placement, unchanged base first): chr9-95469098-CGTGTGTGTCG-C. GRCh37 (hg19) VCF-style: chr9-98231380-CGTGTGTGTCG-C.
Other names: c.1695_1704del, p.Asp566fs (NM_001083602.3); c.1890_1899del, p.Asp631fs (NM_001083603.3); c.1440_1449del, p.Asp481fs (NM_001083604.3, NM_001083605.3, NM_001083606.3 and 1 more transcripts); c.1737_1746del, p.Asp580fs (NM_001354918.2); short protein forms D566fs, D481fs, D580fs, D631fs, D632fs.
Identifiers: ClinVar variation 545799 (VCV000545799.2), dbSNP rs1554695233, ClinGen allele CA658822552.
Genomic context (GRCh38, chr9:95,469,098, plus strand): 5'-GCGTTTCATGGGCAAAGCTGTGGCTGCTGTAGGGAGGTGGGGGGCTGTAGCGGGTATTGT[CGTGTGTGTCG>C]GTGTAGGCCTGAGGTTCAACCTGAATCACTCTGCTGACGCAGGGGCTGAAAGGAGGGGAA-3'